The following is an entry in ClinVar:

ClinVar aggregate classification (germline): Uncertain significance (1 of 4 stars; one submission).

Allele frequency attached by ClinVar (database versions not stated): gnomAD 0.00001.
gnomAD v4.1: 1 of 1,613,670 alleles (0.000062%); highest among the groups gnomAD compares: African/African-American, 0.0013%; no homozygotes.

Submission:

Labcorp Genetics (formerly Invitae), Labcorp
Classification: Uncertain significance. Last evaluated: 2022-10-21. Review status: criteria provided, single submitter. Criteria: Invitae Variant Classification Sherloc (09022015). Collection method: clinical testing. Allele origin: germline.
Comment: This sequence change affects codon 1050 of the ABCC6 mRNA. It is a 'silent' change, meaning that it does not change the encoded amino acid sequence of the ABCC6 protein. This variant is not present in population databases (gnomAD no frequency). This variant has not been reported in the literature in individuals affected with ABCC6-related conditions. Algorithms developed to predict the effect of sequence changes on RNA splicing suggest that this variant may disrupt the consensus splice site. In summary, the available evidence is currently insufficient to determine the role of this variant in disease. Therefore, it has been classified as a Variant of Uncertain Significance.

NM_001171.6(ABCC6):c.3150G>A (p.Lys1050=)

Gene: ABCC6 (ATP binding cassette subfamily C member 6; minus strand). Cytogenetic location: 16p13.11.
Variant type: single nucleotide variant.
Coding change: c.3150G>A on transcript NM_001171.6 (MANE Select); coding-DNA position 3150, G replaced by A.
Protein change: p.Lys1050=; no amino-acid change (lysine 1050 retained).
Molecular consequence: synonymous variant. On other transcripts: non-coding transcript variant (1).
Genome position (GRCh38, 1-based): chr16:16,165,779, C>T on the plus strand (G>A on the coding strand, the complement: ABCC6 is on the minus strand). VCF-style: chr16-16165779-C-T. GRCh37 (hg19) VCF-style: chr16-16259636-C-T.
Other names: c.2808G>A, p.Lys936= (NM_001351800.1).
Identifiers: ClinVar variation 2025313 (VCV002025313.4), dbSNP rs2046853760, ClinGen allele CA494088458.